The following is an entry in ClinVar:

NM_017551.3(GRID1):c.2255C>T (p.Thr752Met)

Gene: GRID1 (glutamate ionotropic receptor delta type subunit 1; minus strand). Cytogenetic location: 10q23.1.
Variant type: single nucleotide variant.
Coding change: c.2255C>T on transcript NM_017551.3 (MANE Select); coding-DNA position 2255, C replaced by T.
Protein change: p.Thr752Met; replaces threonine 752 with methionine.
Molecular consequence: missense variant.
Genome position (GRCh38, 1-based): chr10:85,619,972, G>A on the plus strand (C>T on the coding strand, the complement: GRID1 is on the minus strand). VCF-style: chr10-85619972-G-A. GRCh37 (hg19) VCF-style: chr10-87379729-G-A.
Other names: short protein forms T752M.
Identifiers: ClinVar variation 2502402 (VCV002502402.1), dbSNP rs377494801, ClinGen allele CA5582446.

ClinVar aggregate classification (germline): Uncertain significance (1 of 4 stars; one submission).

Conditions:
GRID1-associated neurodevelopmental disorder.

Allele frequency attached by ClinVar (database versions not stated): ExAC 0.00002; TOPMed 0.00002; gnomAD 0.00003; gnomAD exomes 0.00003; ESP Exome Variant Server 0.00008.
gnomAD v4.1: 53 of 1,613,756 alleles (0.0033%); highest among the groups gnomAD compares: Middle Eastern, 0.016%; no homozygotes.

Submission:

Institute of Human Genetics, University of Leipzig Medical Center
Classification: Uncertain significance for GRID1-associated neurodevelopmental disorder. Last evaluated: 2023-05-08. Review status: criteria provided, single submitter. Criteria: ACMG Guidelines, 2015. Collection method: research. Allele origin: paternal. Affected: yes. Observed: 2 variant alleles, 1 heterozygote, 1 compound heterozygote.
Comment: This variant was identified as compound-heterozygous with NM_017551.2:c.1366A>C